The following is an entry in ClinVar:

NM_000384.3(APOB):c.7945G>C (p.Glu2649Gln)

Gene: APOB (apolipoprotein B; minus strand). Cytogenetic location: 2p24.1.
Variant type: single nucleotide variant.
Coding change: c.7945G>C on transcript NM_000384.3 (MANE Select); coding-DNA position 7945, G replaced by C.
Protein change: p.Glu2649Gln; replaces glutamic acid 2649 with glutamine.
Molecular consequence: missense variant.
Genome position (GRCh38, 1-based): chr2:21,008,923, C>G on the plus strand (G>C on the coding strand, the complement: APOB is on the minus strand). VCF-style: chr2-21008923-C-G. GRCh37 (hg19) VCF-style: chr2-21231795-C-G.
Other names: short protein forms E2649Q.
Identifiers: ClinVar variation 3231457 (VCV003231457.1), dbSNP rs2465367611, ClinGen allele CA345995775.
Genomic context (GRCh38, chr2:21,008,923, plus strand): 5'-TCATTTCTACAAAGTCAATTGTAAAGGAAGGAATGTGGAAGGTGTTAAGGATGGTAAATT[C>G]TGGTGTGGAAAACCTGGATGGGATTTTTATATTTTTTAAGTCTTTGAAGTTTATCTGAAC-3'
Protein context (NP_000375.3, residues 2639-2659): IKIPSRFSTP[Glu2649Gln]FTILNTFHIP

ClinVar aggregate classification (germline): Uncertain significance (1 of 4 stars; one submission).

Conditions:
Cardiovascular phenotype. Identifiers: MedGen CN230736.

Submission:

Ambry Genetics
Classification: Uncertain significance for Cardiovascular phenotype. Last evaluated: 2023-11-01. Review status: criteria provided, single submitter. Criteria: Ambry Variant Classification Scheme 2023. Collection method: clinical testing. Allele origin: germline.
Comment: The p.E2649Q variant (also known as c.7945G>C), located in coding exon 26 of the APOB gene, results from a G to C substitution at nucleotide position 7945. The glutamic acid at codon 2649 is replaced by glutamine, an amino acid with highly similar properties. This amino acid position is conserved. In addition, this alteration is predicted to be tolerated by in silico analysis. Since supporting evidence is limited at this time, the clinical significance of this alteration remains unclear.